The following is an entry in ClinVar:

NM_007194.4(CHEK2):c.43A>C (p.Ser15Arg)

Gene: CHEK2 (checkpoint kinase 2; minus strand). Cytogenetic location: 22q12.1.
Variant type: single nucleotide variant.
Coding change: c.43A>C on transcript NM_007194.4 (MANE Select); coding-DNA position 43, A replaced by C.
Protein change: p.Ser15Arg; replaces serine 15 with arginine.
Molecular consequence: missense variant.
Genome position (GRCh38, 1-based): chr22:28,734,679, T>G on the plus strand (A>C on the coding strand, the complement: CHEK2 is on the minus strand). VCF-style: chr22-28734679-T-G. GRCh37 (hg19) VCF-style: chr22-29130667-T-G.
Other names: c.43A>C, p.Ser15Arg (NM_001005735.3, NM_001349956.3, NM_145862.3); c.-735A>C (NM_001257387.3); short protein forms S15R.
Identifiers: ClinVar variation 1740296 (VCV001740296.2), dbSNP rs2146155290, ClinGen allele CA411091920.

ClinVar aggregate classification (germline): Uncertain significance (1 of 4 stars; one submission).

Conditions:
Hereditary cancer-predisposing syndrome. Also called: Hereditary Cancer Syndrome; Hereditary neoplastic syndrome; Neoplastic Syndromes, Hereditary; Tumor predisposition. Identifiers: Orphanet 140162, MedGen C0027672, MeSH D009386, MONDO:0015356.

Submission:

Ambry Genetics
Classification: Uncertain significance for Hereditary cancer-predisposing syndrome. Last evaluated: 2022-04-04. Review status: criteria provided, single submitter. Criteria: Ambry Variant Classification Scheme 2023. Collection method: clinical testing. Allele origin: germline.
Comment: The p.S15R variant (also known as c.43A>C), located in coding exon 1 of the CHEK2 gene, results from an A to C substitution at nucleotide position 43. The serine at codon 15 is replaced by arginine, an amino acid with dissimilar properties. This amino acid position is conserved. In addition, the in silico prediction for this alteration is inconclusive. Since supporting evidence is limited at this time, the clinical significance of this alteration remains unclear.